The following is an entry in ClinVar:

NM_018136.5(ASPM):c.4775A>G (p.His1592Arg)

Gene: ASPM (assembly factor for spindle microtubules; minus strand). Cytogenetic location: 1q31.3.
Variant type: single nucleotide variant.
Coding change: c.4775A>G on transcript NM_018136.5 (MANE Select); coding-DNA position 4775, A replaced by G.
Protein change: p.His1592Arg; replaces histidine 1592 with arginine.
Molecular consequence: missense variant. On other transcripts: intron variant (1).
Genome position (GRCh38, 1-based): chr1:197,104,476, T>C on the plus strand (A>G on the coding strand, the complement: ASPM is on the minus strand). VCF-style: chr1-197104476-T-C. GRCh37 (hg19) VCF-style: chr1-197073606-T-C.
Other names: c.4066-8312A>G (NM_001206846.2); short protein forms H1592R.
Identifiers: ClinVar variation 2148440 (VCV002148440.3), dbSNP rs370852307, ClinGen allele CA1309868.

ClinVar aggregate classification (germline): Uncertain significance (1 of 4 stars; one submission).

Allele frequency attached by ClinVar (database versions not stated): gnomAD 0.00001; gnomAD exomes 0.00001; ExAC 0.00002; TOPMed 0.00005; ESP Exome Variant Server 0.00015.
gnomAD v4.1: 14 of 1,612,680 alleles (0.00087%); highest among the groups gnomAD compares: Non-Finnish European, 0.0011%; no homozygotes.

Submission:

Labcorp Genetics (formerly Invitae), Labcorp
Classification: Uncertain significance. Last evaluated: 2024-10-17. Review status: criteria provided, single submitter. Criteria: Invitae Variant Classification Sherloc (09022015). Collection method: clinical testing. Allele origin: germline.
Comment: This sequence change replaces histidine, which is basic and polar, with arginine, which is basic and polar, at codon 1592 of the ASPM protein (p.His1592Arg). This variant is present in population databases (rs370852307, gnomAD 0.004%). This variant has not been reported in the literature in individuals affected with ASPM-related conditions. ClinVar contains an entry for this variant (Variation ID: 2148440). Invitae Evidence Modeling of protein sequence and biophysical properties (such as structural, functional, and spatial information, amino acid conservation, physicochemical variation, residue mobility, and thermodynamic stability) indicates that this missense variant is not expected to disrupt ASPM protein function with a negative predictive value of 80%. In summary, the available evidence is currently insufficient to determine the role of this variant in disease. Therefore, it has been classified as a Variant of Uncertain Significance.